The following is an entry in ClinVar:

ClinVar aggregate classification (germline): Uncertain significance (1 of 4 stars; one submission).

Conditions:
Neuropathy, hereditary sensory and autonomic, type 2A (HSAN2A). Also called: MORVAN DISEASE; NEUROPATHY, CONGENITAL SENSORY; NEUROPATHY, HEREDITARY SENSORY RADICULAR, AUTOSOMAL RECESSIVE; NEUROPATHY, HEREDITARY SENSORY, TYPE IIA; NEUROPATHY, PROGRESSIVE SENSORY, OF CHILDREN; WNK1-Related HSAN2 (HSAN2A). Identifiers: Orphanet 970, MedGen C2752089, MONDO:0024309, OMIM 201300.
Generalized epilepsy with febrile seizures plus, type 7 (GEFSP7). Also called: GEFS+, TYPE 7. Identifiers: Orphanet 36387, MedGen C2751778, MONDO:0013470, OMIM 613863.

gnomAD v4.1: 2 of 1,612,656 alleles (0.00012%); highest among the groups gnomAD compares: Non-Finnish European, 0.00017%; no homozygotes.

Submission:

Labcorp Genetics (formerly Invitae), Labcorp
Classification: Uncertain significance for Neuropathy, hereditary sensory and autonomic, type 2A; Generalized epilepsy with febrile seizures plus, type 7. Last evaluated: 2025-09-23. Review status: criteria provided, single submitter. Criteria: Invitae Variant Classification Sherloc (09022015). Collection method: clinical testing. Allele origin: germline.
Comment: This sequence change replaces tyrosine, which is neutral and polar, with cysteine, which is neutral and slightly polar, at codon 157 of the SCN9A protein (p.Tyr157Cys). This variant is not present in population databases (gnomAD no frequency). This variant has not been reported in the literature in individuals affected with SCN9A-related conditions. ClinVar contains an entry for this variant (Variation ID: 653235). An algorithm developed to predict the effect of missense changes on protein structure and function (PolyPhen-2) suggests that this variant is likely to be disruptive. In summary, the available evidence is currently insufficient to determine the role of this variant in disease. Therefore, it has been classified as a Variant of Uncertain Significance.

NM_001365536.1(SCN9A):c.470A>G (p.Tyr157Cys)

Gene: SCN9A (sodium voltage-gated channel alpha subunit 9; minus strand). Cytogenetic location: 2q24.3.
Variant type: single nucleotide variant.
Coding change: c.470A>G on transcript NM_001365536.1 (MANE Select); coding-DNA position 470, A replaced by G.
Protein change: p.Tyr157Cys; replaces tyrosine 157 with cysteine.
Molecular consequence: missense variant.
Genome position (GRCh38, 1-based): chr2:166,305,918, T>C on the plus strand (A>G on the coding strand, the complement: SCN9A is on the minus strand). VCF-style: chr2-166305918-T-C. GRCh37 (hg19) VCF-style: chr2-167162428-T-C.
Other names: c.470A>G, p.Tyr157Cys (NM_002977.4); short protein forms Y157C.
Identifiers: ClinVar variation 653235 (VCV000653235.11), dbSNP rs1425019963, ClinGen allele CA349095280.
Genomic context (GRCh38, chr2:166,305,918, plus strand): 5'-CAGAAGCCTCTTGCAAGGATTTTTACAAGTGATTCAAAAGTATATATTCCAGTAAAAGTG[T>C]ACCTAAACACAAGATTCCATTGGGATACTAGATGTGAAAAGAATACAACCACCATGTAAA-3'
Protein context (NP_001352465.1, residues 147-167): NPPDWTKNVE[Tyr157Cys]TFTGIYTFES